The following is an entry in ClinVar:

ClinVar aggregate classification (germline): Uncertain significance. Review status: criteria provided, multiple submitters, no conflicts (2 of 4 stars). 3 submissions from 3 submitters: Uncertain significance (3). Last evaluated 2025-12-01.

Conditions:
Hereditary cancer-predisposing syndrome. Also called: Neoplastic Syndromes, Hereditary; Tumor predisposition; Hereditary Cancer Syndrome; Hereditary neoplastic syndrome. Identifiers: Orphanet 140162, MedGen C0027672, MeSH D009386, MONDO:0015356.
Familial cancer of breast. Also called: BREAST CANCER, FAMILIAL; hereditary breast carcinoma; Hereditary breast cancer. Identifiers: Orphanet 227535, MedGen C0346153, MONDO:0016419, OMIM 114480. Disease mechanism: loss of function.

Allele frequency attached by ClinVar (database versions not stated): gnomAD exomes below 0.00001; ExAC 0.00001.
gnomAD v4.1: 1 of 1,612,814 alleles (0.000062%); highest among the groups gnomAD compares: Non-Finnish European, 0.000085%; no homozygotes.

Submissions (3):

KCCC/NGS Laboratory, Kuwait Cancer Control Center
Classification: Uncertain significance for Familial cancer of breast. Last evaluated: 2025-12-01. Review status: criteria provided, single submitter. Criteria: ACMG Guidelines, 2015. Collection method: clinical testing. Allele origin: germline. Inheritance: Autosomal dominant inheritance. Affected: yes.
Comment: the available evidence is currently insufficient to determine the role of this variant in disease. Therefore, it has been classified as a Variant of Uncertain Significance. The diagnosis of hereditary cancer syndrome is not confirmed.

Ambry Genetics
Classification: Uncertain significance for Hereditary cancer-predisposing syndrome. Last evaluated: 2024-12-12. Review status: criteria provided, single submitter. Criteria: Ambry Variant Classification Scheme 2023. Collection method: clinical testing. Allele origin: germline.
Comment: The p.Q199E variant (also known as c.595C>G), located in coding exon 5 of the RAD50 gene, results from a C to G substitution at nucleotide position 595. The glutamine at codon 199 is replaced by glutamic acid, an amino acid with highly similar properties. This amino acid position is conserved. In addition, this alteration is predicted to be tolerated by in silico analysis. Since supporting evidence is limited at this time, the clinical significance of this alteration remains unclear.

Labcorp Genetics (formerly Invitae), Labcorp
Classification: Uncertain significance for Hereditary cancer-predisposing syndrome. Last evaluated: 2018-07-24. Review status: criteria provided, single submitter. Criteria: Invitae Variant Classification Sherloc (09022015). Collection method: clinical testing. Allele origin: germline.
Comment: This variant has not been reported in the literature in individuals with RAD50-related disease. Algorithms developed to predict the effect of missense changes on protein structure and function are either unavailable or do not agree on the potential impact of this missense change (SIFT: "Tolerated"; PolyPhen-2: "Possibly Damaging"; Align-GVGD: "Class C0"). In summary, the available evidence is currently insufficient to determine the role of this variant in disease. Therefore, it has been classified as a Variant of Uncertain Significance. This sequence change replaces glutamine with glutamic acid at codon 199 of the RAD50 protein (p.Gln199Glu). The glutamine residue is moderately conserved and there is a small physicochemical difference between glutamine and glutamic acid. This variant is present in population databases (rs775200998, ExAC 0.002%).

NM_005732.4(RAD50):c.595C>G (p.Gln199Glu)

Gene: RAD50 (RAD50 double strand break repair protein; plus strand). Cytogenetic location: 5q31.1.
Variant type: single nucleotide variant.
Coding change: c.595C>G on transcript NM_005732.4 (MANE Select); coding-DNA position 595, C replaced by G.
Protein change: p.Gln199Glu; replaces glutamine 199 with glutamic acid.
Molecular consequence: missense variant.
Genome position (GRCh38, 1-based): chr5:132,579,905, C>G. VCF-style: chr5-132579905-C-G. GRCh37 (hg19) VCF-style: chr5-131915597-C-G.
Other names: short protein forms Q199E.
Identifiers: ClinVar variation 641264 (VCV000641264.13), dbSNP rs775200998, ClinGen allele CA3405003.